The following is an entry in ClinVar:

NM_001367721.1(CASK):c.2442G>A (p.Ala814=)

Gene: CASK (calcium/calmodulin dependent serine protein kinase; minus strand). Cytogenetic location: Xp11.4.
Variant type: single nucleotide variant.
Coding change: c.2442G>A on transcript NM_001367721.1 (MANE Select); coding-DNA position 2442, G replaced by A.
Protein change: p.Ala814=; no amino-acid change (alanine 814 retained).
Molecular consequence: synonymous variant.
Genome position (GRCh38, 1-based): chrX:41,531,085, C>T on the plus strand (G>A on the coding strand, the complement: CASK is on the minus strand). VCF-style: chrX-41531085-C-T. GRCh37 (hg19) VCF-style: chrX-41390338-C-T.
Other names: c.2358G>A, p.Ala786= (NM_001126054.3); c.2355G>A, p.Ala785= (NM_001126055.3); c.2424G>A, p.Ala808= (NM_001410745.1); c.2427G>A, p.Ala809= (NM_003688.4).
Identifiers: ClinVar variation 158073 (VCV000158073.28), dbSNP rs141158465, ClinGen allele CA251017.

ClinVar aggregate classification (germline): Benign/Likely benign. Review status: criteria provided, multiple submitters, no conflicts (2 of 4 stars). 7 submissions from 7 submitters: Benign (5); Likely benign (1). 1 of the submissions does not count toward it. Last evaluated 2026-01-28.

Conditions:
Inborn genetic diseases. Identifiers: MedGen C0950123, MeSH D030342.
CASK-related disorder. Also called: CASK-related disorders; CASK-related condition.
Intellectual disability, CASK-related, X-linked. Identifiers: MedGen CN043158.

Allele frequency attached by ClinVar (database versions not stated): 1000 Genomes Project 30x 0.00312; ESP Exome Variant Server 0.00009; gnomAD 0.00013 and 0.00054; TOPMed 0.00023; gnomAD exomes 0.00111 and 0.00193; ExAC 0.00211; 1000 Genomes Project 0.00291.
gnomAD v4.1: 1,282 of 1,209,563 alleles (0.11%); highest among the groups gnomAD compares: South Asian, 1.8%; 13 homozygotes.

Submissions (7):

Labcorp Genetics (formerly Invitae), Labcorp
Classification: Benign for Intellectual disability, CASK-related, X-linked. Last evaluated: 2026-01-28. Review status: criteria provided, single submitter. Criteria: Invitae Variant Classification Sherloc (09022015). Collection method: clinical testing. Allele origin: germline.

ARUP Laboratories, Molecular Genetics and Genomics, ARUP Laboratories
Classification: Benign. Last evaluated: 2024-11-22. Review status: criteria provided, single submitter. Criteria: ARUP Molecular Germline Variant Investigation Process 2024. Collection method: clinical testing. Allele origin: germline.

Blueprint Genetics
Classification: Likely benign. Last evaluated: 2024-11-18. Review status: criteria provided, single submitter. Criteria: ACMG Guidelines, 2015. Collection method: clinical testing. Allele origin: germline.

GeneDx
Classification: Benign. Last evaluated: 2018-08-01. Review status: criteria provided, single submitter. Criteria: GeneDx Variant Classification Process June 2021. Collection method: clinical testing. Allele origin: germline. Affected: yes.

Genetic Services Laboratory, University of Chicago
Classification: Benign. Last evaluated: 2017-07-11. Review status: criteria provided, single submitter. Criteria: ACMG Guidelines, 2015. Collection method: clinical testing. Allele origin: germline. Affected: no.

Ambry Genetics
Classification: Benign for Inborn genetic diseases. Last evaluated: 2016-08-19. Review status: criteria provided, single submitter. Criteria: Ambry Variant Classification Scheme 2023. Collection method: clinical testing. Allele origin: germline.

PreventionGenetics, part of Exact Sciences
Classification: Benign for CASK-related condition. Last evaluated: 2019-07-11. Review status: no assertion criteria provided. Collection method: clinical testing. Allele origin: germline. Not counted in ClinVar's aggregate classification.
Comment: This variant is classified as benign based on ACMG/AMP sequence variant interpretation guidelines (Richards et al. 2015 PMID: 25741868, with internal and published modifications).